The following is an entry in ClinVar:

NM_004766.3(COPB2):c.908A>C (p.Glu303Ala)

Gene: COPB2 (coat protein complex I subunit beta 2; minus strand). Cytogenetic location: 3q23.
Variant type: single nucleotide variant.
Coding change: c.908A>C on transcript NM_004766.3 (MANE Select); coding-DNA position 908, A replaced by C.
Protein change: p.Glu303Ala; replaces glutamic acid 303 with alanine.
Molecular consequence: missense variant. On other transcripts: non-coding transcript variant (1).
Genome position (GRCh38, 1-based): chr3:139,373,399, T>G on the plus strand (A>C on the coding strand, the complement: COPB2 is on the minus strand). VCF-style: chr3-139373399-T-G. GRCh37 (hg19) VCF-style: chr3-139092241-T-G.
Other names: c.821A>C, p.Glu274Ala (NM_001410834.1); short protein forms E274A, E303A.
Identifiers: ClinVar variation 4070641 (VCV004070641.1).
Genomic context (GRCh38, chr3:139,373,399, plus strand): 5'-TGGACTTCTGAATGCTTGGCCCAAATTATCTTTCCATTGGCATCCATGGACATGGCAGGT[T>G]CCTCCCGACCAAGCTGAAAGAAAGAAAAATAGCTCTCAGCAATGAAAAGGAAAATGAATA-3'
Protein context (NP_004757.1, residues 293-313): GSIIVKLGRE[Glu303Ala]PAMSMDANGK

ClinVar aggregate classification (germline): Uncertain significance (1 of 4 stars; one submission).

Submission:

GeneDx
Classification: Uncertain significance. Last evaluated: 2025-01-09. Review status: criteria provided, single submitter. Criteria: GeneDx Variant Classification Process June 2021. Collection method: clinical testing. Allele origin: germline. Affected: yes.
Comment: Not observed at significant frequency in large population cohorts (gnomAD); In silico analysis supports that this missense variant has a deleterious effect on protein structure/function; Has not been previously published as pathogenic or benign to our knowledge